The following is an entry in ClinVar:

ClinVar aggregate classification (germline): Pathogenic. Review status: criteria provided, multiple submitters, no conflicts (2 of 4 stars). 2 submissions from 2 submitters: Pathogenic (2). Last evaluated 2024-09-03.

Conditions:
Charcot-Marie-Tooth disease type 2. Also called: Charcot-Marie-Tooth type 2. Identifiers: Orphanet 64746, MedGen C0270914, MONDO:0018993.

Submissions (2):

GeneDx
Classification: Pathogenic. Last evaluated: 2024-09-03. Review status: criteria provided, single submitter. Criteria: GeneDx Variant Classification Process June 2021. Collection method: clinical testing. Allele origin: germline. Affected: yes.
Comment: In silico analysis supports that this missense variant has a deleterious effect on protein structure/function; Not observed at significant frequency in large population cohorts (gnomAD); This variant is associated with the following publications: (PMID: 10939567, 32571898)

Labcorp Genetics (formerly Invitae), Labcorp
Classification: Pathogenic for Charcot-Marie-Tooth disease type 2. Last evaluated: 2022-11-29. Review status: criteria provided, single submitter. Criteria: Invitae Variant Classification Sherloc (09022015). Collection method: clinical testing. Allele origin: germline.
Comment: This sequence change replaces leucine, which is neutral and non-polar, with proline, which is neutral and non-polar, at codon 106 of the LMNA protein (p.Leu106Pro). This variant is not present in population databases (gnomAD no frequency). This missense change has been observed in individual(s) with autosomal dominant Emery-Dreifuss muscular dystrophy (PMID: 32571898). In at least one individual the variant was observed to be de novo. Advanced modeling of protein sequence and biophysical properties (such as structural, functional, and spatial information, amino acid conservation, physicochemical variation, residue mobility, and thermodynamic stability) performed at Invitae indicates that this missense variant is expected to disrupt LMNA protein function. For these reasons, this variant has been classified as Pathogenic.

Literature cited by the submitters: PubMed 32571898 (cited by Labcorp Genetics (formerly Invitae), Labcorp).

NM_170707.4(LMNA):c.317T>C (p.Leu106Pro)

Gene: LMNA (lamin A/C; plus strand). Cytogenetic location: 1q22.
Variant type: single nucleotide variant.
Coding change: c.317T>C on transcript NM_170707.4 (MANE Select); coding-DNA position 317, T replaced by C.
Protein change: p.Leu106Pro; replaces leucine 106 with proline.
Molecular consequence: missense variant.
Genome position (GRCh38, 1-based): chr1:156,115,235, T>C. VCF-style: chr1-156115235-T-C. GRCh37 (hg19) VCF-style: chr1-156085026-T-C.
Other names: c.317T>C, p.Leu106Pro (NM_001282625.2, NM_001282626.2, NM_001406983.1 and 6 more transcripts); c.-107T>C (NM_001406986.1); c.-85T>C (NM_001406990.1, NM_001406995.1, NM_001407002.1); c.-348T>C (NM_001406994.1, NM_001407000.1); c.-528T>C (NM_001406999.1); c.-191T>C (NM_001407001.1); short protein forms L106P.
Identifiers: ClinVar variation 2098083 (VCV002098083.5), dbSNP rs2527834566, ClinGen allele CA342808766.
Genomic context (GRCh38, chr1:156,115,235, plus strand): 5'-GGGATGCCCGCAAGACCCTTGACTCAGTAGCCAAGGAGCGCGCCCGCCTGCAGCTGGAGC[T>C]GAGCAAAGTGCGTGAGGAGTTTAAGGAGCTGAAAGCGCGGTGAGTTCGCCCAGGTGGCTG-3'
Protein context (NP_733821.1, residues 96-116): AKERARLQLE[Leu106Pro]SKVREEFKEL